The following is an entry in ClinVar:

NM_004946.3(DOCK2):c.5087G>A (p.Arg1696Gln)

Gene: DOCK2 (dedicator of cytokinesis 2; plus strand). Cytogenetic location: 5q35.1.
Variant type: single nucleotide variant.
Coding change: c.5087G>A on transcript NM_004946.3 (MANE Select); coding-DNA position 5087, G replaced by A.
Protein change: p.Arg1696Gln; replaces arginine 1696 with glutamine.
Molecular consequence: missense variant. On other transcripts: non-coding transcript variant (1).
Genome position (GRCh38, 1-based): chr5:170,079,067, G>A. VCF-style: chr5-170079067-G-A. GRCh37 (hg19) VCF-style: chr5-169506071-G-A.
Other names: short protein forms R1696Q.
Identifiers: ClinVar variation 968235 (VCV000968235.7), dbSNP rs371229305, ClinGen allele CA3554761.

ClinVar aggregate classification (germline): Uncertain significance. Review status: criteria provided, multiple submitters, no conflicts (2 of 4 stars). 3 submissions from 3 submitters: Uncertain significance (3). Last evaluated 2025-05-06.

Conditions:
DOCK2 deficiency. Also called: Immunodeficiency 40. Identifiers: Orphanet 447737, MedGen C4225328, MONDO:0014637, OMIM 616433.
Inborn genetic diseases. Identifiers: MedGen C0950123, MeSH D030342.

Allele frequency attached by ClinVar (database versions not stated): TOPMed 0.00003; gnomAD 0.00003; ExAC 0.00002; gnomAD exomes 0.00004; ESP Exome Variant Server 0.00008.
gnomAD v4.1: 60 of 1,614,148 alleles (0.0037%); highest among the groups gnomAD compares: East Asian, 0.031%; no homozygotes.

Submissions (3):

Ambry Genetics
Classification: Uncertain significance for Inborn genetic diseases. Last evaluated: 2025-05-06. Review status: criteria provided, single submitter. Criteria: Ambry Variant Classification Scheme 2023. Collection method: clinical testing. Allele origin: germline.

Labcorp Genetics (formerly Invitae), Labcorp
Classification: Uncertain significance for DOCK2 deficiency. Last evaluated: 2022-07-22. Review status: criteria provided, single submitter. Criteria: Invitae Variant Classification Sherloc (09022015). Collection method: clinical testing. Allele origin: germline.
Comment: This sequence change replaces arginine, which is basic and polar, with glutamine, which is neutral and polar, at codon 1696 of the DOCK2 protein (p.Arg1696Gln). This variant is present in population databases (rs371229305, gnomAD 0.03%). This variant has not been reported in the literature in individuals affected with DOCK2-related conditions. ClinVar contains an entry for this variant (Variation ID: 968235). Algorithms developed to predict the effect of missense changes on protein structure and function are either unavailable or do not agree on the potential impact of this missense change (SIFT: "Tolerated"; PolyPhen-2: "Possibly Damaging"; Align-GVGD: "Class C0"). In summary, the available evidence is currently insufficient to determine the role of this variant in disease. Therefore, it has been classified as a Variant of Uncertain Significance.

Breakthrough Genomics
Classification: Uncertain significance. Review status: criteria provided, single submitter. Criteria: ACMG Guidelines, 2015. Collection method: not provided. Allele origin: germline. Inheritance: Autosomal recessive inheritance. Affected: yes.